The following is an entry in ClinVar:

ClinVar aggregate classification (germline): Uncertain significance (1 of 4 stars; one submission).

Conditions:
Inborn genetic diseases. Identifiers: MedGen C0950123, MeSH D030342.

gnomAD v4.1: 1 of 1,613,784 alleles (0.000062%); highest among the groups gnomAD compares: Non-Finnish European, 0.000085%; no homozygotes.

Submission:

Ambry Genetics
Classification: Uncertain significance for Inborn genetic diseases. Last evaluated: 2025-06-12. Review status: criteria provided, single submitter. Criteria: Ambry Variant Classification Scheme 2023. Collection method: clinical testing. Allele origin: germline.
Comment: The p.Q271H variant (also known as c.813G>T), located in coding exon 9 of the FANCA gene, results from a G to T substitution at nucleotide position 813. The glutamine at codon 271 is replaced by histidine, an amino acid with highly similar properties. This amino acid position is conserved. In addition, this alteration is predicted to be tolerated by in silico analysis. Based on the available evidence, the clinical significance of this variant remains unclear.

NM_000135.4(FANCA):c.813G>T (p.Gln271His)

Gene: FANCA (FA complementation group A; minus strand). Cytogenetic location: 16q24.3.
Variant type: single nucleotide variant.
Coding change: c.813G>T on transcript NM_000135.4 (MANE Select); coding-DNA position 813, G replaced by T.
Protein change: p.Gln271His; replaces glutamine 271 with histidine.
Molecular consequence: missense variant.
Genome position (GRCh38, 1-based): chr16:89,799,618, C>A on the plus strand (G>T on the coding strand, the complement: FANCA is on the minus strand). VCF-style: chr16-89799618-C-A. GRCh37 (hg19) VCF-style: chr16-89866026-C-A.
Other names: c.813G>T, p.Gln271His (NM_001018112.3, NM_001286167.3); c.717G>T, p.Gln239His (NM_001351830.2); short protein forms Q271H, Q239H.
Identifiers: ClinVar variation 4022369 (VCV004022369.1).